The following is an entry in ClinVar:

NM_017841.4(SDHAF2):c.122C>G (p.Thr41Arg)

Gene: SDHAF2 (succinate dehydrogenase complex assembly factor 2; plus strand). Cytogenetic location: 11q12.2.
Variant type: single nucleotide variant.
Coding change: c.122C>G on transcript NM_017841.4 (MANE Select); coding-DNA position 122, C replaced by G.
Protein change: p.Thr41Arg; replaces threonine 41 with arginine.
Molecular consequence: missense variant.
Genome position (GRCh38, 1-based): chr11:61,437,710, C>G. VCF-style: chr11-61437710-C-G. GRCh37 (hg19) VCF-style: chr11-61205182-C-G.
Other names: c.122C>G (NM_017841.2); short protein forms T41R.
Identifiers: ClinVar variation 1477973 (VCV001477973.9), dbSNP rs747508289, ClinGen allele CA380683180.
Genomic context (GRCh38, chr11:61,437,710, plus strand): 5'-TATTGTCTCCTTTGCTCAGTGTGACATCATTCAGACGCTTCTACAGAGGTGACAGCCCAA[C>G]AGATTCCCAAAAGGACATGATTGAAATCCCTTTGCCTCCATGGCAGGAGAGAACTGATGA-3'
Protein context (NP_060311.1, residues 31-51): FRRFYRGDSP[Thr41Arg]DSQKDMIEIP

ClinVar aggregate classification (germline): Uncertain significance. Review status: criteria provided, multiple submitters, no conflicts (2 of 4 stars). 2 submissions from 2 submitters: Uncertain significance (2). Last evaluated 2026-08-26.

Conditions:
Hereditary pheochromocytoma and paraganglioma. Also called: Hereditary paragangliomas and pheochromocytomas; Hereditary pheochromocytoma-paraganglioma; Hereditary Paraganglioma-Pheochromocytoma Syndromes. Identifiers: Orphanet 29072, MedGen C4274332, MONDO:0017366.
Hereditary cancer-predisposing syndrome. Also called: Hereditary Cancer Syndrome; Tumor predisposition; Neoplastic Syndromes, Hereditary; Hereditary neoplastic syndrome. Identifiers: Orphanet 140162, MedGen C0027672, MeSH D009386, MONDO:0015356.

Submissions (2):

Ambry Genetics
Classification: Uncertain significance for Hereditary cancer-predisposing syndrome. Last evaluated: 2026-08-26. Review status: criteria provided, single submitter. Criteria: Ambry Variant Classification Scheme 2023. Collection method: clinical testing. Allele origin: germline.
Comment: The p.T41R variant (also known as c.122C>G), located in coding exon 2 of the SDHAF2 gene, results from a C to G substitution at nucleotide position 122. The threonine at codon 41 is replaced by arginine, an amino acid with similar properties. This amino acid position is conserved. In addition, this alteration is predicted to be tolerated by in silico analysis. Based on the available evidence, the clinical significance of this variant remains unclear.

Labcorp Genetics (formerly Invitae), Labcorp
Classification: Uncertain significance for Hereditary pheochromocytoma and paraganglioma. Last evaluated: 2022-10-18. Review status: criteria provided, single submitter. Criteria: Invitae Variant Classification Sherloc (09022015). Collection method: clinical testing. Allele origin: germline.
Comment: This sequence change replaces threonine, which is neutral and polar, with arginine, which is basic and polar, at codon 41 of the SDHAF2 protein (p.Thr41Arg). In summary, the available evidence is currently insufficient to determine the role of this variant in disease. Therefore, it has been classified as a Variant of Uncertain Significance. Algorithms developed to predict the effect of missense changes on protein structure and function (SIFT, PolyPhen-2, Align-GVGD) all suggest that this variant is likely to be tolerated. ClinVar contains an entry for this variant (Variation ID: 1477973). This variant has not been reported in the literature in individuals affected with SDHAF2-related conditions. This variant is not present in population databases (gnomAD no frequency).